The following is an entry in ClinVar:

NM_006659.4(TUBGCP2):c.477G>A (p.Lys159=)

Gene: TUBGCP2 (tubulin gamma complex component 2; minus strand). Cytogenetic location: 10q26.3.
Variant type: single nucleotide variant.
Coding change: c.477G>A on transcript NM_006659.4 (MANE Select); coding-DNA position 477, G replaced by A.
Protein change: p.Lys159=; no amino-acid change (lysine 159 retained).
Molecular consequence: synonymous variant. On other transcripts: non-coding transcript variant (1).
Genome position (GRCh38, 1-based): chr10:133,298,091, C>T on the plus strand (G>A on the coding strand, the complement: TUBGCP2 is on the minus strand). VCF-style: chr10-133298091-C-T. GRCh37 (hg19) VCF-style: chr10-135111595-C-T.
Other names: c.477G>A, p.Lys159= (NM_001256617.2); c.87G>A, p.Lys29= (NM_001256618.2).
Identifiers: ClinVar variation 734057 (VCV000734057.7), dbSNP rs35504441, ClinGen allele CA5764477.

ClinVar aggregate classification (germline): Benign/Likely benign. Review status: criteria provided, multiple submitters, no conflicts (2 of 4 stars). 2 submissions from 2 submitters: Benign (1); Likely benign (1). Last evaluated 2026-03-01.

Allele frequency attached by ClinVar (database versions not stated): gnomAD exomes 0.00027 and 0.00076; ExAC 0.00093; 1000 Genomes Project 0.00220; 1000 Genomes Project 30x 0.00234; gnomAD 0.00311 and 0.00340; TOPMed 0.00356; ESP Exome Variant Server 0.00500.
gnomAD v4.1: 881 of 1,614,030 alleles (0.055%); highest among the groups gnomAD compares: African/African-American, 1%; 8 homozygotes.

Submissions (2):

CeGaT Center for Human Genetics Tuebingen
Classification: Likely benign. Last evaluated: 2026-03-01. Review status: criteria provided, single submitter. Criteria: CeGaT Center For Human Genetics Tuebingen Variant Classification Criteria Version 2. Collection method: clinical testing. Allele origin: germline. Affected: yes. Observed: 1 variant allele.
Comment: TUBGCP2: BP4, BS1

Labcorp Genetics (formerly Invitae), Labcorp
Classification: Benign. Last evaluated: 2018-06-01. Review status: criteria provided, single submitter. Criteria: Invitae Variant Classification Sherloc (09022015). Collection method: clinical testing. Allele origin: germline.